The following is an entry in ClinVar:

ClinVar aggregate classification (germline): Uncertain significance (1 of 4 stars; one submission).

Submission:

Labcorp Genetics (formerly Invitae), Labcorp
Classification: Uncertain significance. Last evaluated: 2022-05-07. Review status: criteria provided, single submitter. Criteria: Invitae Variant Classification Sherloc (09022015). Collection method: clinical testing. Allele origin: germline.
Comment: This sequence change replaces leucine, which is neutral and non-polar, with arginine, which is basic and polar, at codon 392 of the APOL1 protein (p.Leu392Arg). In summary, the available evidence is currently insufficient to determine the role of this variant in disease. Therefore, it has been classified as a Variant of Uncertain Significance. Algorithms developed to predict the effect of missense changes on protein structure and function are either unavailable or do not agree on the potential impact of this missense change (SIFT: "Deleterious"; PolyPhen-2: "Probably Damaging"; Align-GVGD: "Class C0"). This variant has not been reported in the literature in individuals affected with APOL1-related conditions. This variant is not present in population databases (gnomAD no frequency).

NM_003661.4(APOL1):c.1175T>G (p.Leu392Arg)

Gene: APOL1 (apolipoprotein L1; plus strand). Cytogenetic location: 22q12.3.
Variant type: single nucleotide variant.
Coding change: c.1175T>G on transcript NM_003661.4 (MANE Select); coding-DNA position 1175, T replaced by G.
Protein change: p.Leu392Arg; replaces leucine 392 with arginine.
Molecular consequence: missense variant.
Genome position (GRCh38, 1-based): chr22:36,266,011, T>G. VCF-style: chr22-36266011-T-G. GRCh37 (hg19) VCF-style: chr22-36662057-T-G.
Other names: c.1175T>G, p.Leu392Arg (NM_001136540.2); c.1121T>G, p.Leu374Arg (NM_001136541.2, NM_001362927.2); c.1223T>G, p.Leu408Arg (NM_145343.3); short protein forms L408R, L374R, L392R.
Identifiers: ClinVar variation 1989625 (VCV001989625.4), dbSNP rs2517929747, ClinGen allele CA411369091.